The following is an entry in ClinVar:

ClinVar aggregate classification (germline): Likely pathogenic (1 of 4 stars; one submission).

Conditions:
Lamellar ichthyosis. Identifiers: Orphanet 313, MedGen C5848247, MONDO:0017778.

Submission:

Women's Health and Genetics/Laboratory Corporation of America, LabCorp
Classification: Likely pathogenic for Lamellar ichthyosis. Last evaluated: 2022-06-07. Review status: criteria provided, single submitter. Criteria: LabCorp Variant Classification Summary - May 2015. Collection method: clinical testing. Allele origin: germline.
Comment: Variant summary: The variant identified by MLPA or other technology involves the deletion of exons 3-6 in the SLC27A4 gene. A presumed nomenclature of c.(161+1_162-1)_(877+1_878-1)del has been designated for the purposes of this classification. Although exact breakpoints of this deletion are not known, it is expected to result in a frameshift in the SLC27A4 gene, a known mechanism of disease. The variant was absent in 21692 control chromosomes (gnomAD, Structural Variants dataset). To our knowledge, no occurrence of c.(161+1_162-1)_(877+1_878-1)del in individuals affected with Lamellar Ichthyosis and no experimental evidence demonstrating its impact on protein function have been reported. No clinical diagnostic laboratories have submitted clinical-significance assessments for this variant to ClinVar after 2014. Based on the evidence outlined above, the variant was classified as likely pathogenic.

NC_000009.11:g.(131105573_131107433)_(131112855_131114916)del

Gene: SLC27A4 (solute carrier family 27 member 4; plus strand). Cytogenetic location: 9q34.11.
Variant type: Deletion.
Identifiers: ClinVar variation 1698502 (VCV001698502.1).